The following is an entry in ClinVar:

ClinVar aggregate classification (germline): Uncertain significance (1 of 4 stars; one submission).

Conditions:
Autoimmune lymphoproliferative syndrome type 2A (ALPS2A). Also called: CASP10-Related Autoimmune Lymphoproliferative Syndrome; AUTOIMMUNE LYMPHOPROLIFERATIVE SYNDROME, TYPE IIA; Autoimmune lymphoproliferative syndrome type 2. Identifiers: Orphanet 3261, MedGen C1858968, MONDO:0011383, OMIM 603909.

gnomAD v4.1: 2 of 1,613,770 alleles (0.00012%); highest among the groups gnomAD compares: Non-Finnish European, 0.000085%; no homozygotes.

Submission:

Labcorp Genetics (formerly Invitae), Labcorp
Classification: Uncertain significance for Autoimmune lymphoproliferative syndrome type 2A. Last evaluated: 2025-11-19. Review status: criteria provided, single submitter. Criteria: Invitae Variant Classification Sherloc (09022015). Collection method: clinical testing. Allele origin: germline.
Comment: This sequence change replaces isoleucine, which is neutral and non-polar, with methionine, which is neutral and non-polar, at codon 162 of the CASP10 protein (p.Ile162Met). This variant is present in population databases (no rsID available, gnomAD 0.0009%). This variant has not been reported in the literature in individuals affected with CASP10-related conditions. Invitae Evidence Modeling of protein sequence and biophysical properties (such as structural, functional, and spatial information, amino acid conservation, physicochemical variation, residue mobility, and thermodynamic stability) indicates that this missense variant is not expected to disrupt CASP10 protein function with a negative predictive value of 80%. In summary, the available evidence is currently insufficient to determine the role of this variant in disease. Therefore, it has been classified as a Variant of Uncertain Significance.

NM_032977.4(CASP10):c.486A>G (p.Ile162Met)

Gene: CASP10 (caspase 10; plus strand). Cytogenetic location: 2q33.1.
Variant type: single nucleotide variant.
Coding change: c.486A>G on transcript NM_032977.4 (MANE Select); coding-DNA position 486, A replaced by G.
Protein change: p.Ile162Met; replaces isoleucine 162 with methionine.
Molecular consequence: missense variant.
Genome position (GRCh38, 1-based): chr2:201,193,028, A>G. VCF-style: chr2-201193028-A-G. GRCh37 (hg19) VCF-style: chr2-202057751-A-G.
Other names: c.486A>G, p.Ile162Met (NM_001206524.2, NM_001206542.2, NM_001230.5 and 3 more transcripts); short protein forms I162M.
Identifiers: ClinVar variation 4787726 (VCV004787726.1).
Genomic context (GRCh38, chr2:201,193,028, plus strand): 5'-ATTGATTCTCTTGTAGACCTCCCTAAGTTTCCTGGCATTTCTAGAGAAACAAGGTAAAAT[A>G]GATGAAGATAATCTGACATGCCTGGAGGACCTCTGCAAAACAGTTGTACCTAAACTTTTG-3'
Protein context (NP_116759.2, residues 152-172): FLAFLEKQGK[Ile162Met]DEDNLTCLED